The following is an entry in ClinVar:

NM_015909.4(NBAS):c.4954C>G (p.Arg1652Gly)

Gene: NBAS (NBAS subunit of NRZ tethering complex; minus strand). Cytogenetic location: 2p24.3.
Variant type: single nucleotide variant.
Coding change: c.4954C>G on transcript NM_015909.4 (MANE Select); coding-DNA position 4954, C replaced by G.
Protein change: p.Arg1652Gly; replaces arginine 1652 with glycine.
Molecular consequence: missense variant. On other transcripts: non-coding transcript variant (1).
Genome position (GRCh38, 1-based): chr2:15,292,610, G>C on the plus strand (C>G on the coding strand, the complement: NBAS is on the minus strand). VCF-style: chr2-15292610-G-C. GRCh37 (hg19) VCF-style: chr2-15432734-G-C.
Other names: short protein forms R1652G.
Identifiers: ClinVar variation 4805691 (VCV004805691.1).

ClinVar aggregate classification (germline): Uncertain significance (1 of 4 stars; one submission).

gnomAD v4.1: 4 of 1,614,000 alleles (0.00025%); highest among the groups gnomAD compares: African/African-American, 0.0013%; no homozygotes.

Submission:

Labcorp Genetics (formerly Invitae), Labcorp
Classification: Uncertain significance. Last evaluated: 2025-06-30. Review status: criteria provided, single submitter. Criteria: Invitae Variant Classification Sherloc (09022015). Collection method: clinical testing. Allele origin: germline.
Comment: This sequence change replaces arginine, which is basic and polar, with glycine, which is neutral and non-polar, at codon 1652 of the NBAS protein (p.Arg1652Gly). This variant is not present in population databases (gnomAD no frequency). This variant has not been reported in the literature in individuals affected with NBAS-related conditions. Invitae Evidence Modeling of protein sequence and biophysical properties (such as structural, functional, and spatial information, amino acid conservation, physicochemical variation, residue mobility, and thermodynamic stability) indicates that this missense variant is not expected to disrupt NBAS protein function with a negative predictive value of 95%. In summary, the available evidence is currently insufficient to determine the role of this variant in disease. Therefore, it has been classified as a Variant of Uncertain Significance.